The following is an entry in ClinVar:

ClinVar aggregate classification (germline): Conflicting classifications of pathogenicity. Review status: criteria provided, conflicting classifications (1 of 4 stars). 2 submissions from 2 submitters: Likely pathogenic (1); Uncertain significance (1). Last evaluated 2023-12-02.

Conditions:
Histiocytic medullary reticulosis. Also called: SEVERE COMBINED IMMUNODEFICIENCY WITH HYPEREOSINOPHILIA; Omenn syndrome. Identifiers: Orphanet 39041, MedGen C2700553, MONDO:0011338, OMIM 603554.

Submissions (2):

Baylor Genetics
Classification: Likely pathogenic for Histiocytic medullary reticulosis. Last evaluated: 2023-12-02. Review status: criteria provided, single submitter. Criteria: ACMG Guidelines, 2015. Collection method: clinical testing. Allele origin: unknown.

Women's Health and Genetics/Laboratory Corporation of America, LabCorp
Classification: Uncertain significance. Last evaluated: 2023-04-13. Review status: criteria provided, single submitter. Criteria: LabCorp Variant Classification Summary - May 2015. Collection method: clinical testing. Allele origin: germline.
Comment: Variant summary: DCLRE1C c.1696_1699dupAACA (p.Ser567LysfsX12) results in a premature termination codon, predicted to cause a truncation of the encoded protein or absence of the protein due to nonsense mediated decay, which are commonly known mechanisms for disease. Truncations downstream of this position have not been reported. The variant allele was found at a frequency of 1.2e-05 in 251394 control chromosomes. To our knowledge, no occurrence of c.1696_1699dupAACA in individuals affected with Severe Combined Immunodeficiency and no experimental evidence demonstrating its impact on protein function have been reported. No clinical diagnostic laboratories have submitted clinical-significance assessments for this variant to ClinVar after 2014. Based on the evidence outlined above, the variant was classified as VUS.

NM_001033855.3(DCLRE1C):c.1696_1699dup (p.Ser567fs)

Gene: DCLRE1C (DNA cross-link repair 1C; minus strand). Cytogenetic location: 10p13.
Variant type: Duplication.
Coding change: c.1696_1699dup on transcript NM_001033855.3 (MANE Select); coding-DNA positions 1696 to 1699, 4 bases duplicated (AACA; older notation c.1696_1699dupAACA).
Protein change: p.Ser567fs; shifts the reading frame from serine 567.
Molecular consequence: frameshift variant. On other transcripts: non-coding transcript variant (4).
Genome position (GRCh38, 1-based): chr10:14,908,788-14,908,791, TGTT duplicated on the plus strand (AACA on the coding strand, the reverse complement: DCLRE1C is on the minus strand); duplicating any 4 consecutive bases within chr10:14,908,788-14,908,792 gives the same sequence; the c. name uses the placement nearest the transcript's 3' end. VCF-style (leftmost placement, unchanged base first): chr10-14908787-C-CTGTT. GRCh37 (hg19) VCF-style: chr10-14950786-C-CTGTT.
Other names: c.1336_1339dup, p.Ser447fs (NM_001033857.3, NM_001033858.3, NM_001289077.2 and 2 more transcripts); c.1351_1354dup, p.Ser452fs (NM_001289076.2, NM_001289078.2, NM_001350966.2 and 1 more transcripts); c.1696_1699dup, p.Ser567fs (NM_001350965.2); c.1696_1699dupAACA (NM_001033855.2); short protein forms S447fs, S452fs, S567fs.
Identifiers: ClinVar variation 2503950 (VCV002503950.3), dbSNP rs762761194, ClinGen allele CA5416432.
Genomic context (GRCh38, chr10:14,908,787, plus strand): 5'-GGAATATTCTCTTTGATTGTTGGTCTGTAGTCAGCTTTGTCCAAGGAAGTAATATCCCCA[C>CTGTT]TGTTTCTCTCTTGGGAAGATAACAAAACAGTATCAGATTGGCTGTCCCAGCCTTGACTTC-3'